The following is an entry in ClinVar:

NM_000512.5(GALNS):c.761A>G (p.Tyr254Cys)

Gene: GALNS (galactosamine (N-acetyl)-6-sulfatase; minus strand). Cytogenetic location: 16q24.3.
Variant type: single nucleotide variant.
Coding change: c.761A>G on transcript NM_000512.5 (MANE Select); coding-DNA position 761, A replaced by G.
Protein change: p.Tyr254Cys; replaces tyrosine 254 with cysteine.
Molecular consequence: missense variant.
Genome position (GRCh38, 1-based): chr16:88,835,350, T>C on the plus strand (A>G on the coding strand, the complement: GALNS is on the minus strand). VCF-style: chr16-88835350-T-C. GRCh37 (hg19) VCF-style: chr16-88901758-T-C.
Other names: c.206A>G, p.Tyr69Cys (NM_001323543.2); c.779A>G, p.Tyr260Cys (NM_001323544.2); short protein forms Y254C, Y260C, Y69C.
Identifiers: ClinVar variation 1048299 (VCV001048299.6), dbSNP rs2143001210, ClinGen allele CA397079171.
Genomic context (GRCh38, chr16:88,835,350, plus strand): 5'-TCTTGGAGGAGCTCCAGTATCTTCCCAATGCTGTCATCAATCTCCCGGACGGCGTCTCCA[T>C]ACCTGCAGGATGGTGACAAAAGGCATCTCCATACCTGGAGGATGGTGACAAATGGATCAG-3'
Protein context (NP_000503.1, residues 244-264): PFLGTSQRGR[Tyr254Cys]GDAVREIDDS

ClinVar aggregate classification (germline): Conflicting classifications of pathogenicity. Review status: criteria provided, conflicting classifications (1 of 4 stars). 2 submissions from 2 submitters: Pathogenic (1); Uncertain significance (1). Last evaluated 2023-10-13.

Conditions:
Mucopolysaccharidosis, MPS-IV-A (MPS4A). Also called: Mucopolysaccharidosis type IV A; Mucopolysaccharidosis Type IVA; Morquio syndrome A, mild; MORQUIO SYNDROME A; MPS IVA; mucopolysaccharidosis type 4A. Identifiers: Orphanet 309297, Orphanet 582, MedGen C0086651, MONDO:0009659, OMIM 253000.

Allele frequency attached by ClinVar (database versions not stated): gnomAD exomes 0.00001.
gnomAD v4.1: 11 of 1,613,594 alleles (0.00068%); highest among the groups gnomAD compares: Non-Finnish European, 0.00093%; no homozygotes.

Submissions (2):

Labcorp Genetics (formerly Invitae), Labcorp
Classification: Pathogenic for Mucopolysaccharidosis, MPS-IV-A. Last evaluated: 2023-10-13. Review status: criteria provided, single submitter. Criteria: Invitae Variant Classification Sherloc (09022015). Collection method: clinical testing. Allele origin: germline.
Comment: This sequence change replaces tyrosine, which is neutral and polar, with cysteine, which is neutral and slightly polar, at codon 254 of the GALNS protein (p.Tyr254Cys). This variant is not present in population databases (gnomAD no frequency). This missense change has been observed in individual(s) with mucopolysaccharidosis IVA (PMID: 22521955; Invitae). In at least one individual the data is consistent with being in trans (on the opposite chromosome) from a pathogenic variant. ClinVar contains an entry for this variant (Variation ID: 1048299). An algorithm developed to predict the effect of missense changes on protein structure and function (PolyPhen-2) suggests that this variant is likely to be disruptive. For these reasons, this variant has been classified as Pathogenic.

Laboratory of Diagnosis and Therapy of Lysosomal Disorders, University of Padova
Classification: Uncertain significance for Mucopolysaccharidosis, MPS-IV-A. Last evaluated: 2021-02-01. Review status: criteria provided, single submitter. Criteria: ACMG Guidelines, 2015. Collection method: curation. Allele origin: germline. Affected: yes.
Comment: In vivo functional studies supportive of a damaging effect on the gene product (low to null enzymatic activity in homozygotes; PS3_supporting); absent from gnomAD v2.1.1 (PM2_moderate); multiple lines of computational evidence support a deleterious effect on the gene (PP3_supporting)

Literature cited by the submitters: PubMed 22521955 (cited by Labcorp Genetics (formerly Invitae), Labcorp and Laboratory of Diagnosis and Therapy of Lysosomal Disorders, University of Padova); PubMed 23876334 (cited by Laboratory of Diagnosis and Therapy of Lysosomal Disorders, University of Padova); PubMed 34387910 (cited by Laboratory of Diagnosis and Therapy of Lysosomal Disorders, University of Padova).